The following is an entry in ClinVar:

NM_000138.5(FBN1):c.3116G>A (p.Cys1039Tyr)

Gene: FBN1 (fibrillin 1; minus strand). Cytogenetic location: 15q21.1.
Variant type: single nucleotide variant.
Coding change: c.3116G>A on transcript NM_000138.5 (MANE Select); coding-DNA position 3116, G replaced by A.
Protein change: p.Cys1039Tyr; replaces cysteine 1039 with tyrosine.
Molecular consequence: missense variant.
Genome position (GRCh38, 1-based): chr15:48,488,460, C>T on the plus strand (G>A on the coding strand, the complement: FBN1 is on the minus strand). VCF-style: chr15-48488460-C-T. GRCh37 (hg19) VCF-style: chr15-48780657-C-T.
Other names: short protein forms C1039Y.
Identifiers: ClinVar variation 1069719 (VCV001069719.9), dbSNP rs2141295277, ClinGen allele CA16609291.
Genomic context (GRCh38, chr15:48,488,460, plus strand): 5'-AAGCCGCTGTCACACCTGCACTTAAAGCTGCCAATGGTGTTTCTGCACTTGCCGTGGGTG[C>T]AGAGGCTGGGTATCATCTTGCACTCATTGATATCTTCAAGAATAAGAAAATGTGGGGCAA-3'
Protein context (NP_000129.3, residues 1029-1049): INECKMIPSL[Cys1039Tyr]THGKCRNTIG

ClinVar aggregate classification (germline): Pathogenic (1 of 4 stars; one submission).

Conditions:
Familial thoracic aortic aneurysm and aortic dissection (TAAD). Also called: Thoracic aortic aneurysms and dissections. Identifiers: Orphanet 91387, MedGen C4707243, MONDO:0019625.
Marfan syndrome (MFS). Also called: Marfan syndrome type 1; Marfan's syndrome; Marfan syndrome, classic; MARFAN SYNDROME, TYPE I; FBN1-Related Marfan Syndrome. Identifiers: Orphanet 284963, Orphanet 558, MedGen C0024796, MONDO:0007947, OMIM 154700.

Submission:

Labcorp Genetics (formerly Invitae), Labcorp
Classification: Pathogenic for Marfan syndrome; Familial thoracic aortic aneurysm and aortic dissection. Last evaluated: 2020-03-24. Review status: criteria provided, single submitter. Criteria: Invitae Variant Classification Sherloc (09022015). Collection method: clinical testing. Allele origin: germline.
Comment: This sequence change replaces cysteine with tyrosine at codon 1039 of the FBN1 protein (p.Cys1039Tyr). The cysteine residue is highly conserved and there is a large physicochemical difference between cysteine and tyrosine. This variant affects a cysteine residue in the EGF-like, TGFBP or hybrid motif domains of FBN1. Cysteine residues are believed to be involved in intramolecular disulfide bridges and have been shown to be important for FBN1 protein structure (PMID: 16905551, 19349279). In addition, missense substitutions affecting cysteine residues within these domains are significantly overrepresented among patients with Marfan syndrome (PMID: 16571647, 17701892). For these reasons, this variant has been classified as Pathogenic. Algorithms developed to predict the effect of missense changes on protein structure and function (SIFT, PolyPhen-2, Align-GVGD) all suggest that this variant is likely to be disruptive, but these predictions have not been confirmed by published functional studies and their clinical significance is uncertain. This variant has been observed in individual(s) with clinical features of Marfan syndrome (PMID: 10464652, Invitae). This variant is not present in population databases (ExAC no frequency).

Literature cited by the submitters: PubMed 16905551; PubMed 19349279; PubMed 16571647; PubMed 17701892; PubMed 10464652.